The following is an entry in ClinVar:

ClinVar aggregate classification (germline): Uncertain significance. Review status: criteria provided, multiple submitters, no conflicts (2 of 4 stars). 2 submissions from 2 submitters: Uncertain significance (2). Last evaluated 2024-07-26.

Conditions:
Pulmonary fibrosis and/or bone marrow failure, Telomere-related, 3. Also called: PULMONARY FIBROSIS AND/OR BONE MARROW FAILURE SYNDROME, TELOMERE-RELATED, 3. Identifiers: Orphanet 2032, MedGen C4225346, MONDO:0014613, OMIM 616373.
Dyskeratosis congenita, autosomal recessive 5 (DKCB5). Identifiers: MedGen C3554656, MONDO:0014076, OMIM 615190.
Dyskeratosis congenita. Identifiers: Orphanet 1775, MedGen C0265965, MONDO:0015780.

Allele frequency attached by ClinVar (database versions not stated): gnomAD exomes 0.00001 and 0.00004; ExAC 0.00005.
gnomAD v4.1: 17 of 1,601,670 alleles (0.0011%); highest among the groups gnomAD compares: South Asian, 0.014%; no homozygotes.

Submissions (2):

Labcorp Genetics (formerly Invitae), Labcorp
Classification: Uncertain significance for Dyskeratosis congenita, autosomal recessive 5; Pulmonary fibrosis and/or bone marrow failure, Telomere-related, 3. Last evaluated: 2024-07-26. Review status: criteria provided, single submitter. Criteria: Invitae Variant Classification Sherloc (09022015). Collection method: clinical testing. Allele origin: germline.
Comment: This sequence change replaces alanine, which is neutral and non-polar, with valine, which is neutral and non-polar, at codon 760 of the RTEL1 protein (p.Ala760Val). This variant is present in population databases (rs761666401, gnomAD 0.03%). This variant has not been reported in the literature in individuals affected with RTEL1-related conditions. ClinVar contains an entry for this variant (Variation ID: 1692615). An algorithm developed to predict the effect of missense changes on protein structure and function outputs the following: PolyPhen-2: "Benign". The valine amino acid residue is found in multiple mammalian species, which suggests that this missense change does not adversely affect protein function. In summary, the available evidence is currently insufficient to determine the role of this variant in disease. Therefore, it has been classified as a Variant of Uncertain Significance.

Sema4
Classification: Uncertain significance for Dyskeratosis congenita. Last evaluated: 2021-12-08. Review status: criteria provided, single submitter. Criteria: Sema4 Curation Guidelines. Collection method: curation. Allele origin: germline.
Comment: The RTEL1 c.2279C>T (p.A760V) variant has not been reported in the literature to our knowledge. It was observed in 8/30268 chromosomes of the South Asian subpopulation in the large and broad cohorts of the Genome Aggregation Database (PMID: 32461654). The variant has not been reported in ClinVar. In silico tools suggest the impact of the variant on protein function is benign, though these predictions have not been confirmed by functional studies. The evidence is insufficient to meet ACMG/AMP criteria for classifying the variant as benign or pathogenic. Thus, the clinical significance of this variant is currently uncertain.

NM_001283009.2(RTEL1):c.2279C>T (p.Ala760Val)

Genes: RTEL1 (regulator of telomere elongation helicase 1; plus strand), RTEL1-TNFRSF6B (RTEL1-TNFRSF6B readthrough (NMD candidate); plus strand). Cytogenetic location: 20q13.33.
Variant type: single nucleotide variant.
Coding change: c.2279C>T on transcript NM_001283009.2 (MANE Select); coding-DNA position 2279, C replaced by T.
Protein change: p.Ala760Val; replaces alanine 760 with valine.
Molecular consequence: missense variant. On other transcripts: non-coding transcript variant (1).
Genome position (GRCh38, 1-based): chr20:63,690,307, C>T. VCF-style: chr20-63690307-C-T. GRCh37 (hg19) VCF-style: chr20-62321660-C-T.
Other names: c.1610C>T, p.Ala537Val (NM_001283010.1); c.2279C>T, p.Ala760Val (NM_016434.4); c.2351C>T, p.Ala784Val (NM_032957.5); short protein forms A537V, A760V, A784V.
Identifiers: ClinVar variation 1692615 (VCV001692615.5), dbSNP rs761666401, ClinGen allele CA9965270.